The following is an entry in ClinVar:

ClinVar aggregate classification (germline): Pathogenic (1 of 4 stars; one submission).

Submission:

GeneDx
Classification: Pathogenic. Last evaluated: 2018-08-13. Review status: criteria provided, single submitter. Criteria: GeneDx Variant Classification (06012015). Collection method: clinical testing. Allele origin: germline. Affected: yes.
Comment: The c.1623dupT pathogenic variant in the SETD5 gene causes a frameshift starting with codon Aspartic acid 542 and changes this amino acid to a premature Stop codon, denoted p.Asp542Ter. This pathogenic variant is predicted to cause loss of normal protein function either through protein truncation or nonsense-mediated mRNA decay. The c.1623dupT variant is not observed in large population cohorts (Lek et al., 2016).

NM_001080517.3(SETD5):c.1623dup (p.Asp542Ter)

Gene: SETD5 (SET domain containing 5; plus strand). Cytogenetic location: 3p25.3.
Variant type: Duplication.
Coding change: c.1623dup on transcript NM_001080517.3 (MANE Select); coding-DNA position 1623, one base duplicated (T; older notation c.1623dupT).
Protein change: p.Asp542Ter; replaces aspartic acid 542 with a stop codon.
Molecular consequence: nonsense.
Genome position (GRCh38, 1-based): chr3:9,447,148, T duplicated. VCF-style (leftmost placement, unchanged base first): chr3-9447147-C-CT. GRCh37 (hg19) VCF-style: chr3-9488831-C-CT.
Other names: c.1329dup, p.Asp444Ter (NM_001292043.2, NM_001349451.2); short protein forms D444*, D542*.
Identifiers: ClinVar variation 817566 (VCV000817566.1), dbSNP rs1575466995, ClinGen allele CA915941814.